The following is an entry in ClinVar:

ClinVar aggregate classification (germline): Uncertain significance. Review status: criteria provided, multiple submitters, no conflicts (2 of 4 stars). 2 submissions from 2 submitters: Uncertain significance (2). Last evaluated 2016-12-06.

Conditions:
Dilated cardiomyopathy 1S (CMD1S). Identifiers: Orphanet 154, Orphanet 54260, MedGen C1834481, MONDO:0013262, OMIM 613426.

Submissions (2):

Institute of Human Genetics, University of Leipzig Medical Center
Classification: Uncertain significance for Dilated cardiomyopathy 1S. Last evaluated: 2016-12-06. Review status: criteria provided, single submitter. Criteria: ACMG Guidelines, 2015. Collection method: clinical testing. Allele origin: germline. Affected: yes. Observed: 1 variant allele.

Laboratory for Molecular Medicine, Mass General Brigham Personalized Medicine
Classification: Uncertain significance. Last evaluated: 2014-12-26. Review status: criteria provided, single submitter. Criteria: LMM Criteria. Collection method: clinical testing. Allele origin: germline. Observed: 1 variant allele.
Comment: Variant classified as Uncertain Significance - Favor Pathogenic. The p.Glu902Lys variant in MYH7 has not been previously reported in individuals with cardiomyop athy and was absent from large population studies. Glutamic acid (Glu) at positi on 902 is highly conserved in evolution and the change to Lysine (Lys) was predi cted to be pathogenic using a computational tool clinically validated by our lab oratory. This tool's pathogenic prediction is estimated to be correct 94% of the time (Jordan 2011). In summary, while there is some suspicion for a pathogenic role, the clinical significance of the p.Glu902Lys variant is uncertain.

Literature cited by the submitters: PubMed 21310275 (cited by Laboratory for Molecular Medicine, Mass General Brigham Personalized Medicine).

NM_000257.4(MYH7):c.2704G>A (p.Glu902Lys)

Gene: MYH7 (myosin heavy chain 7; minus strand). Cytogenetic location: 14q11.2.
Variant type: single nucleotide variant.
Coding change: c.2704G>A on transcript NM_000257.4 (MANE Select); coding-DNA position 2704, G replaced by A.
Protein change: p.Glu902Lys; replaces glutamic acid 902 with lysine.
Molecular consequence: missense variant.
Genome position (GRCh38, 1-based): chr14:23,424,125, C>T on the plus strand (G>A on the coding strand, the complement: MYH7 is on the minus strand). VCF-style: chr14-23424125-C-T. GRCh37 (hg19) VCF-style: chr14-23893334-C-T.
Other names: short protein forms E902K.
Identifiers: ClinVar variation 228905 (VCV000228905.5), dbSNP rs869130333, ClinGen allele CA10576956.
Genomic context (GRCh38, chr14:23,424,125, plus strand): 5'-TCTCCTTCACCTTGGCCTCCAGCTGAATCTTGTTTTTGATCAGCTGATCACAGCGCTCCT[C>T]AGCATCTGCCAGGTTGTCTTGTTCCTGAAGGTGAGGAACAGAGGGGAGGCTGTTCAGGGG-3'
Protein context (NP_000248.2, residues 892-912): QAEQDNLADA[Glu902Lys]ERCDQLIKNK